The following is an entry in ClinVar:

NM_032043.3(BRIP1):c.2595del (p.Gln866fs)

Gene: BRIP1 (BRCA1 interacting DNA helicase 1; minus strand). Cytogenetic location: 17q23.2.
Variant type: Deletion.
Coding change: c.2595del on transcript NM_032043.3 (MANE Select); coding-DNA position 2595, one base deleted (G; older notation c.2595delG).
Protein change: p.Gln866fs; shifts the reading frame from glutamine 866.
Molecular consequence: frameshift variant.
Genome position (GRCh38, 1-based): chr17:61,686,146, C deleted on the plus strand (G on the coding strand, the reverse complement: BRIP1 is on the minus strand); the first of 2 consecutive C bases (chr17:61,686,146-61,686,147); deleting either gives the same sequence. VCF-style (leftmost placement, unchanged base first): chr17-61686145-GC-G. GRCh37 (hg19) VCF-style: chr17-59763506-GC-G.
Other names: c.2595delG (NM_032043.2); short protein forms Q866fs.
Identifiers: ClinVar variation 141737 (VCV000141737.3), dbSNP rs587781974, ClinGen allele CA166272.

ClinVar aggregate classification (germline): Pathogenic (1 of 4 stars; one submission).

Conditions:
Hereditary cancer-predisposing syndrome. Also called: Neoplastic Syndromes, Hereditary; Tumor predisposition; Hereditary Cancer Syndrome; Hereditary neoplastic syndrome. Identifiers: Orphanet 140162, MedGen C0027672, MeSH D009386, MONDO:0015356.

Submission:

Ambry Genetics
Classification: Pathogenic for Hereditary cancer-predisposing syndrome. Last evaluated: 2013-10-28. Review status: criteria provided, single submitter. Criteria: Ambry Autosomal Dominant and X-Linked criteria (10/2015). Collection method: clinical testing. Allele origin: germline. Observed: 1 variant allele.
Comment: Ã¢â‚¬â€¹The c.2595delG pathogenic mutation, located in coding exon 18 of the BRIP1 gene, results from a deletion of one nucleotide at position 2595, causing a translational frameshift with a predicted alternate stop codon. Since frameshifts are typically deleterious in nature, this alteration is interpreted as a disease-causing mutation (ACMG Recommendations for Standards for Interpretation and Reporting of Sequence Variations. Revision 2007. Genet Med. 2008;10:294).